The following is an entry in ClinVar:

ClinVar aggregate classification (germline): Uncertain significance. Review status: criteria provided, multiple submitters, no conflicts (2 of 4 stars). 2 submissions from 2 submitters: Uncertain significance (2). Last evaluated 2025-03-05.

Conditions:
Inborn genetic diseases. Identifiers: MedGen C0950123, MeSH D030342.

Allele frequency attached by ClinVar (database versions not stated): gnomAD exomes 0.00001.

Submissions (2):

GeneDx
Classification: Uncertain significance. Last evaluated: 2025-03-05. Review status: criteria provided, single submitter. Criteria: GeneDx Variant Classification Process June 2021. Collection method: clinical testing. Allele origin: germline. Affected: yes.
Comment: In silico analysis supports that this missense variant has a deleterious effect on protein structure/function; Has not been previously published as pathogenic or benign to our knowledge

Ambry Genetics
Classification: Uncertain significance for Inborn genetic diseases. Last evaluated: 2024-07-23. Review status: criteria provided, single submitter. Criteria: Ambry Variant Classification Scheme 2023. Collection method: clinical testing. Allele origin: germline.

NM_031407.7(HUWE1):c.5325G>T (p.Leu1775Phe)

Gene: HUWE1 (HECT, UBA and WWE domain containing E3 ubiquitin protein ligase 1; minus strand). Cytogenetic location: Xp11.22.
Variant type: single nucleotide variant.
Coding change: c.5325G>T on transcript NM_031407.7 (MANE Select); coding-DNA position 5325, G replaced by T.
Protein change: p.Leu1775Phe; replaces leucine 1775 with phenylalanine.
Molecular consequence: missense variant.
Genome position (GRCh38, 1-based): chrX:53,583,753, C>A on the plus strand (G>T on the coding strand, the complement: HUWE1 is on the minus strand). VCF-style: chrX-53583753-C-A. GRCh37 (hg19) VCF-style: chrX-53610713-C-A.
Other names: short protein forms L1775F.
Identifiers: ClinVar variation 1191171 (VCV001191171.6), dbSNP rs1556970312, ClinGen allele CA413173853.